The following is an entry in ClinVar:

ClinVar aggregate classification (germline): Uncertain significance. Review status: criteria provided, multiple submitters, no conflicts (2 of 4 stars). 2 submissions from 2 submitters: Uncertain significance (2). Last evaluated 2024-11-05.

Conditions:
Familial hemophagocytic lymphohistiocytosis 3 (FHL3). Also called: UNC13D-Related Familial Hemophagocytic Lymphohistiocytosis (UNC13D-fHLH). Identifiers: Orphanet 540, MedGen C1837174, MONDO:0012146, OMIM 608898.

Submissions (2):

Labcorp Genetics (formerly Invitae), Labcorp
Classification: Uncertain significance for Familial hemophagocytic lymphohistiocytosis 3. Last evaluated: 2024-11-05. Review status: criteria provided, single submitter. Criteria: Invitae Variant Classification Sherloc (09022015). Collection method: clinical testing. Allele origin: germline.
Comment: This sequence change replaces histidine, which is basic and polar, with arginine, which is basic and polar, at codon 301 of the UNC13D protein (p.His301Arg). This variant is not present in population databases (gnomAD no frequency). This variant has not been reported in the literature in individuals affected with UNC13D-related conditions. ClinVar contains an entry for this variant (Variation ID: 1355223). Invitae Evidence Modeling of protein sequence and biophysical properties (such as structural, functional, and spatial information, amino acid conservation, physicochemical variation, residue mobility, and thermodynamic stability) indicates that this missense variant is expected to disrupt UNC13D protein function with a positive predictive value of 80%. In summary, the available evidence is currently insufficient to determine the role of this variant in disease. Therefore, it has been classified as a Variant of Uncertain Significance.

3billion
Classification: Uncertain significance for Familial hemophagocytic lymphohistiocytosis 3. Last evaluated: 2023-10-04. Review status: criteria provided, single submitter. Criteria: ACMG Guidelines, 2015. Collection method: clinical testing. Allele origin: germline. Affected: yes.
Comment: The variant is not observed in the gnomAD v2.1.1 dataset. Predicted Consequence/Location: The majority of the known disease-causing variants of this gene are variants expected to result in premature termination of the protein. Premature termination of the protein is a common disease-causing mechanism for this gene. The variant has been reported to be in trans with a pathogenic variant as either compound heterozygous or homozygous in at least one similarly affected unrelated individual (3billion dataset). Therefore, this variant is classified as uncertain significance according to the recommendation of ACMG/AMP guideline.

NM_199242.3(UNC13D):c.902A>G (p.His301Arg)

Gene: UNC13D (unc-13 homolog D; minus strand). Cytogenetic location: 17q25.1.
Variant type: single nucleotide variant.
Coding change: c.902A>G on transcript NM_199242.3 (MANE Select); coding-DNA position 902, A replaced by G.
Protein change: p.His301Arg; replaces histidine 301 with arginine.
Molecular consequence: missense variant.
Genome position (GRCh38, 1-based): chr17:75,840,067, T>C on the plus strand (A>G on the coding strand, the complement: UNC13D is on the minus strand). VCF-style: chr17-75840067-T-C. GRCh37 (hg19) VCF-style: chr17-73836148-T-C.
Other names: short protein forms H301R.
Identifiers: ClinVar variation 1355223 (VCV001355223.8), dbSNP rs2143891961, ClinGen allele CA401107703.